The following is an entry in ClinVar:

NM_004693.3(KRT75):c.1009G>A (p.Glu337Lys)

Gene: KRT75 (keratin 75; minus strand). Cytogenetic location: 12q13.13.
Variant type: single nucleotide variant.
Coding change: c.1009G>A on transcript NM_004693.3 (MANE Select); coding-DNA position 1009, G replaced by A.
Protein change: p.Glu337Lys; replaces glutamic acid 337 with lysine.
Molecular consequence: missense variant.
Genome position (GRCh38, 1-based): chr12:52,430,567, C>T on the plus strand (G>A on the coding strand, the complement: KRT75 is on the minus strand). VCF-style: chr12-52430567-C-T. GRCh37 (hg19) VCF-style: chr12-52824351-C-T.
Other names: short protein forms E337K.
Identifiers: ClinVar variation 3037706 (VCV003037706.2), dbSNP rs2232398, ClinGen allele CA6579925.

ClinVar aggregate classification (germline): Benign (0 of 4 stars; one submission).

Conditions:
KRT75-related disorder. Also called: KRT75-related condition.

Allele frequency attached by ClinVar (database versions not stated): 1000 Genomes Project 0.00379; 1000 Genomes Project 30x 0.00390; gnomAD 0.00632; TOPMed 0.00649; ExAC 0.00760; ESP Exome Variant Server 0.00900; gnomAD exomes 0.01027.
gnomAD v4.1: 15,883 of 1,614,128 alleles (0.98%); highest among the groups gnomAD compares: Non-Finnish European, 1.2%; 109 homozygotes.

Submission:

PreventionGenetics, part of Exact Sciences
Classification: Benign for KRT75-related condition. Last evaluated: 2019-12-09. Review status: no assertion criteria provided. Collection method: clinical testing. Allele origin: germline.
Comment: This variant is classified as benign based on ACMG/AMP sequence variant interpretation guidelines (Richards et al. 2015 PMID: 25741868, with internal and published modifications).